The following is an entry in ClinVar:

ClinVar aggregate classification (germline): Pathogenic (1 of 4 stars; one submission).

Conditions:
Ehlers-Danlos syndrome due to tenascin-X deficiency (EDSCLL1). Also called: Ehlers-Danlos syndrome, classic-like, 1; EHLERS-DANLOS SYNDROME, CLASSIC-LIKE; TNXB-Related Classical-Like Ehlers-Danlos Syndrome; EDS DUE TO TNX DEFICIENCY; TNX DEFICIENCY. Identifiers: Orphanet 230839, MedGen C1848029, MONDO:0011670, OMIM 606408.

gnomAD v4.1: 1 of 1,613,418 alleles (0.000062%); highest among the groups gnomAD compares: African/African-American, 0.0013%; no homozygotes.

Submission:

Myriad Genetics, Inc.
Classification: Pathogenic for Ehlers-Danlos syndrome due to tenascin-X deficiency. Last evaluated: 2024-06-27. Review status: criteria provided, single submitter. Criteria: Myriad Autosomal Dominant, Autosomal Recessive and X-Linked Classification Criteria (2023). Collection method: clinical testing. Allele origin: unknown.
Comment: NM_019105.6(TNXB):c.778G>T(E260*) is expected to be pathogenic in the context of classical-like Ehlers-Danlos syndrome, TNXB-related. This variant is predicted to lead to an abnormal or absent protein product due to the creation of a premature termination codon in TNXB, a gene where loss-of-function variants are known to be pathogenic. Please note: this variant was assessed in the context of healthy population screening.

NM_001365276.2(TNXB):c.778G>T (p.Glu260Ter)

Gene: TNXB (tenascin XB; minus strand). Cytogenetic location: 6p21.33.
Variant type: single nucleotide variant.
Coding change: c.778G>T on transcript NM_001365276.2 (MANE Select); coding-DNA position 778, G replaced by T.
Protein change: p.Glu260Ter; replaces glutamic acid 260 with a stop codon.
Molecular consequence: nonsense.
Genome position (GRCh38, 1-based): chr6:32,097,075, C>A on the plus strand (G>T on the coding strand, the complement: TNXB is on the minus strand). VCF-style: chr6-32097075-C-A. GRCh37 (hg19) VCF-style: chr6-32064852-C-A.
Other names: c.778G>T, p.Glu260Ter (NM_001428335.1, NM_019105.8); short protein forms E260*.
Identifiers: ClinVar variation 5013242 (VCV005013242.1).